The following is an entry in ClinVar:

NM_017849.4(TMEM127):c.449C>A (p.Ala150Asp)

Gene: TMEM127 (transmembrane protein 127; minus strand). Cytogenetic location: 2q11.2.
Variant type: single nucleotide variant.
Coding change: c.449C>A on transcript NM_017849.4 (MANE Select); coding-DNA position 449, C replaced by A.
Protein change: p.Ala150Asp; replaces alanine 150 with aspartic acid.
Molecular consequence: missense variant.
Genome position (GRCh38, 1-based): chr2:96,254,076, G>T on the plus strand (C>A on the coding strand, the complement: TMEM127 is on the minus strand). VCF-style: chr2-96254076-G-T. GRCh37 (hg19) VCF-style: chr2-96919814-G-T.
Other names: c.449C>A, p.Ala150Asp (NM_001193304.3); c.197C>A, p.Ala66Asp (NM_001407282.1, NM_001407283.1); short protein forms A66D, A150D.
Identifiers: ClinVar variation 2563317 (VCV002563317.4), dbSNP rs2467264263, ClinGen allele CA347652995.
Genomic context (GRCh38, chr2:96,254,076, plus strand): 5'-TAGACCTGGGATCCATGGTACTTCTTATGCTGCTGCTGCTGGGCCAAGATGAGTTCAGAA[G>T]CCCAATAAGAAAAGCCAATGACGGTGGCACACTGCAGAACTAGGAGACAGAGGGACAGCA-3'
Protein context (NP_060319.1, residues 140-160): CATVIGFSYW[Ala150Asp]SELILAQQQQ

ClinVar aggregate classification (germline): Uncertain significance. Review status: criteria provided, multiple submitters, no conflicts (2 of 4 stars). 2 submissions from 2 submitters: Uncertain significance (2). Last evaluated 2024-08-29.

Conditions:
Hereditary cancer-predisposing syndrome. Also called: Neoplastic Syndromes, Hereditary; Tumor predisposition; Hereditary Cancer Syndrome; Hereditary neoplastic syndrome. Identifiers: Orphanet 140162, MedGen C0027672, MeSH D009386, MONDO:0015356.
Hereditary pheochromocytoma and paraganglioma. Also called: Hereditary paragangliomas and pheochromocytomas; Hereditary Paraganglioma-Pheochromocytoma Syndromes; Hereditary pheochromocytoma-paraganglioma. Identifiers: Orphanet 29072, MedGen C4274332, MONDO:0017366.

Submissions (2):

Labcorp Genetics (formerly Invitae), Labcorp
Classification: Uncertain significance for Hereditary pheochromocytoma and paraganglioma. Last evaluated: 2024-08-29. Review status: criteria provided, single submitter. Criteria: Invitae Variant Classification Sherloc (09022015). Collection method: clinical testing. Allele origin: germline.
Comment: This sequence change replaces alanine, which is neutral and non-polar, with aspartic acid, which is acidic and polar, at codon 150 of the TMEM127 protein (p.Ala150Asp). This variant is not present in population databases (gnomAD no frequency). This variant has not been reported in the literature in individuals affected with TMEM127-related conditions. ClinVar contains an entry for this variant (Variation ID: 2563317). An algorithm developed to predict the effect of missense changes on protein structure and function (PolyPhen-2) suggests that this variant is likely to be disruptive. In summary, the available evidence is currently insufficient to determine the role of this variant in disease. Therefore, it has been classified as a Variant of Uncertain Significance.

Ambry Genetics
Classification: Uncertain significance for Hereditary cancer-predisposing syndrome. Last evaluated: 2023-03-30. Review status: criteria provided, single submitter. Criteria: Ambry Variant Classification Scheme 2023. Collection method: clinical testing. Allele origin: germline.
Comment: The p.A150D variant (also known as c.449C>A), located in coding exon 3 of the TMEM127 gene, results from a C to A substitution at nucleotide position 449. The alanine at codon 150 is replaced by aspartic acid, an amino acid with dissimilar properties. This amino acid position is conserved. In addition, this alteration is predicted to be deleterious by in silico analysis. Since supporting evidence is limited at this time, the clinical significance of this alteration remains unclear.